The following is an entry in ClinVar:

NM_052867.4(NALCN):c.4796_4799del (p.Glu1599fs)

Gene: NALCN (sodium leak channel, non-selective; minus strand). Cytogenetic location: 13q32.3.
Variant type: Microsatellite.
Coding change: c.4796_4799del on transcript NM_052867.4 (MANE Select); coding-DNA positions 4796 to 4799, 4 bases deleted (AGAG; older notation c.4796_4799delAGAG).
Protein change: p.Glu1599fs; shifts the reading frame from glutamic acid 1599.
Molecular consequence: frameshift variant.
Genome position (GRCh38, 1-based): chr13:101,059,924-101,059,927, CTCT deleted on the plus strand (AGAG on the coding strand, the reverse complement: NALCN is on the minus strand); deleting any 4 consecutive bases within chr13:101,059,924-101,059,932 gives the same sequence; the c. name uses the placement nearest the transcript's 3' end. VCF-style (leftmost placement, unchanged base first): chr13-101059923-ACTCT-A. GRCh37 (hg19) VCF-style: chr13-101712275-ACTCT-A.
Other names: c.4883_4886del, p.Glu1628fs (NM_001350748.2); c.4796_4799del, p.Glu1599fs (NM_001350749.2); c.4709_4712del, p.Glu1570fs (NM_001350750.2, NM_001350751.2); short protein forms E1570fs, E1599fs, E1628fs.
Identifiers: ClinVar variation 3775602 (VCV003775602.1).

ClinVar aggregate classification (germline): Pathogenic (1 of 4 stars; one submission).

Conditions:
Hypotonia, infantile, with psychomotor retardation and characteristic facies 1 (INNFD). Identifiers: Orphanet 371364, Orphanet 700336, MedGen C3809454, MONDO:0024567, OMIM 615419.

Submission:

3billion
Classification: Pathogenic for Hypotonia, infantile, with psychomotor retardation and characteristic facies 1. Last evaluated: 2023-10-12. Review status: criteria provided, single submitter. Criteria: ACMG Guidelines, 2015. Collection method: clinical testing. Allele origin: germline. Affected: yes.
Comment: The variant is not observed in the gnomAD v2.1.1 dataset. Predicted Consequence/Location: Frameshift: predicted to result in a loss or disruption of normal protein function through nonsense-mediated decay (NMD) or protein truncation. Multiple pathogenic variants are reported downstream of the variant. Therefore, this variant is classified as Pathogenic according to the recommendation of ACMG/AMP guideline.